The following is an entry in ClinVar:

NM_004006.3(DMD):c.191A>C (p.Lys64Thr)

Gene: DMD (dystrophin; minus strand). Cytogenetic location: Xp21.1.
Variant type: single nucleotide variant.
Coding change: c.191A>C on transcript NM_004006.3 (MANE Select); coding-DNA position 191, A replaced by C.
Protein change: p.Lys64Thr; replaces lysine 64 with threonine.
Molecular consequence: missense variant. On other transcripts: 5 prime UTR variant (1).
Genome position (GRCh38, 1-based): chrX:32,844,856, T>G on the plus strand (A>C on the coding strand, the complement: DMD is on the minus strand). VCF-style: chrX-32844856-T-G. GRCh37 (hg19) VCF-style: chrX-32862973-T-G.
Other names: c.167A>C, p.Lys56Thr (NM_000109.4); c.179A>C, p.Lys60Thr (NM_004009.3); c.-179A>C (NM_004010.3); short protein forms K56T, K60T, K64T.
Identifiers: ClinVar variation 1056062 (VCV001056062.7), dbSNP rs1482045034, ClinGen allele CA412674789.

ClinVar aggregate classification (germline): Uncertain significance. Review status: criteria provided, single submitter (1 of 4 stars). 2 submissions from 2 submitters: Uncertain significance (1). 1 of the submissions does not count toward it. Last evaluated 2021-09-01.

Conditions:
Cardiomyopathy (CMYO). Also called: Cardiomyopathies. Identifiers: Orphanet 167848, MedGen C0878544, MONDO:0004994, HP:0001638. Inheritance: Various modes of inheritance.
Dystrophin deficiency.
Duchenne muscular dystrophy (DMD). Also called: MUSCULAR DYSTROPHY, PSEUDOHYPERTROPHIC PROGRESSIVE, DUCHENNE TYPE; Duchenne Muscular Dystrophy (DMD). Identifiers: Orphanet 98896, MedGen C0013264, MONDO:0010679, OMIM 310200.
Becker muscular dystrophy (BMD). Also called: Becker Muscular Dystrophy (BMD); MUSCULAR DYSTROPHY, PSEUDOHYPERTROPHIC PROGRESSIVE, BECKER TYPE. Identifiers: Orphanet 98895, MedGen C0917713, MONDO:0010311, OMIM 300376.

Allele frequency attached by ClinVar (database versions not stated): gnomAD 0.00001; gnomAD exomes 0.00001; TOPMed 0.00001.
gnomAD v4.1: 2 of 1,207,494 alleles (0.00017%); highest among the groups gnomAD compares: Admixed American, 0.0022%; no homozygotes.

Submissions (2):

Labcorp Genetics (formerly Invitae), Labcorp
Classification: Uncertain significance for Duchenne muscular dystrophy. Last evaluated: 2021-09-01. Review status: criteria provided, single submitter. Criteria: Invitae Variant Classification Sherloc (09022015). Collection method: clinical testing. Allele origin: germline.
Comment: This sequence change replaces lysine with threonine at codon 64 of the DMD protein (p.Lys64Thr). The lysine residue is highly conserved and there is a moderate physicochemical difference between lysine and threonine. This variant is not present in population databases (ExAC no frequency). This variant has not been reported in the literature in individuals affected with DMD-related conditions. Algorithms developed to predict the effect of missense changes on protein structure and function are either unavailable or do not agree on the potential impact of this missense change (SIFT: "Tolerated"; PolyPhen-2: "Possibly Damaging"; Align-GVGD: "Class C0"). In summary, the available evidence is currently insufficient to determine the role of this variant in disease. Therefore, it has been classified as a Variant of Uncertain Significance.

Natera, Inc.
Classification: Uncertain significance for Becker muscular dystrophy; Cardiomyopathy; Duchenne muscular dystrophy; Dystrophin deficiency. Last evaluated: 2018-12-22. Review status: no assertion criteria provided. Collection method: clinical testing. Allele origin: germline. Not counted in ClinVar's aggregate classification.